The following is an entry in ClinVar:

NM_001008537.3(NEXMIF):c.1967G>A (p.Cys656Tyr)

Gene: NEXMIF (neurite extension and migration factor; minus strand). Cytogenetic location: Xq13.3.
Variant type: single nucleotide variant.
Coding change: c.1967G>A on transcript NM_001008537.3 (MANE Select); coding-DNA position 1967, G replaced by A.
Protein change: p.Cys656Tyr; replaces cysteine 656 with tyrosine.
Molecular consequence: missense variant.
Genome position (GRCh38, 1-based): chrX:74,742,590, C>T on the plus strand (G>A on the coding strand, the complement: NEXMIF is on the minus strand). VCF-style: chrX-74742590-C-T. GRCh37 (hg19) VCF-style: chrX-73962425-C-T.
Other names: c.1967G>A (NM_001008537.2); short protein forms C656Y.
Identifiers: ClinVar variation 4775591 (VCV004775591.2).

ClinVar aggregate classification (germline): Uncertain significance. Review status: criteria provided, multiple submitters, no conflicts (2 of 4 stars). 2 submissions from 2 submitters: Uncertain significance (2). Last evaluated 2026-08-03.

Submissions (2):

Ambry Genetics
Classification: Uncertain significance. Last evaluated: 2026-08-03. Review status: criteria provided, single submitter. Criteria: Ambry Variant Classification Scheme 2023. Collection method: clinical testing. Allele origin: germline.

Labcorp Genetics (formerly Invitae), Labcorp
Classification: Uncertain significance. Last evaluated: 2025-08-04. Review status: criteria provided, single submitter. Criteria: Invitae Variant Classification Sherloc (09022015). Collection method: clinical testing. Allele origin: germline.
Comment: This sequence change replaces cysteine, which is neutral and slightly polar, with tyrosine, which is neutral and polar, at codon 656 of the NEXMIF protein (p.Cys656Tyr). This variant is not present in population databases (gnomAD no frequency). This variant has not been reported in the literature in individuals affected with NEXMIF-related conditions. An algorithm developed to predict the effect of missense changes on protein structure and function outputs the following: PolyPhen-2: "Benign". The tyrosine amino acid residue is found in multiple mammalian species, which suggests that this missense change does not adversely affect protein function. In summary, the available evidence is currently insufficient to determine the role of this variant in disease. Therefore, it has been classified as a Variant of Uncertain Significance.